The following is an entry in ClinVar:

NM_001379500.1(COL18A1):c.2294C>T (p.Pro765Leu)

Gene: COL18A1 (collagen type XVIII alpha 1 chain; plus strand). Cytogenetic location: 21q22.3.
Variant type: single nucleotide variant.
Coding change: c.2294C>T on transcript NM_001379500.1 (MANE Select); coding-DNA position 2294, C replaced by T.
Protein change: p.Pro765Leu; replaces proline 765 with leucine.
Molecular consequence: missense variant.
Genome position (GRCh38, 1-based): chr21:45,493,517, C>T. VCF-style: chr21-45493517-C-T. GRCh37 (hg19) VCF-style: chr21-46913431-C-T.
Other names: NM_130445.2:c.2294C>T; c.2834C>T, p.Pro945Leu (NM_030582.4); c.3539C>T, p.Pro1180Leu (NM_130444.3); short protein forms P765L, P1180L, P945L.
Identifiers: ClinVar variation 1525152 (VCV001525152.4), dbSNP rs557802919, ClinGen allele CA10066978.
Genomic context (GRCh38, chr21:45,493,517, plus strand): 5'-GGAAGGAGCTGGCCCTGACTCTGCTGGACCTCCTGCCATTCCAGGGTGAGAAGGGTGAAC[C>T]GGGCAGCATCTTCAGCCCCGACGGCGGTGCCCTGGGCCCTGCCCAGAAAGGAGCCAAGGT-3'
Protein context (NP_001366429.1, residues 755-775): SPGPKGEKGE[Pro765Leu]GSIFSPDGGA

ClinVar aggregate classification (germline): Uncertain significance. Review status: criteria provided, multiple submitters, no conflicts (2 of 4 stars). 2 submissions from 2 submitters: Uncertain significance (2). Last evaluated 2025-11-06.

Conditions:
Inborn genetic diseases. Identifiers: MedGen C0950123, MeSH D030342.

Allele frequency attached by ClinVar (database versions not stated): gnomAD 0.00004 and 0.00006; gnomAD exomes 0.00017; 1000 Genomes Project 0.00020; 1000 Genomes Project 30x 0.00016; ExAC 0.00034.
gnomAD v4.1: 104 of 1,561,502 alleles (0.0067%); highest among the groups gnomAD compares: South Asian, 0.081%; no homozygotes.

Submissions (2):

Ambry Genetics
Classification: Uncertain significance for Inborn genetic diseases. Last evaluated: 2025-11-06. Review status: criteria provided, single submitter. Criteria: Ambry Variant Classification Scheme 2023. Collection method: clinical testing. Allele origin: germline.

Labcorp Genetics (formerly Invitae), Labcorp
Classification: Uncertain significance. Last evaluated: 2022-06-22. Review status: criteria provided, single submitter. Criteria: Invitae Variant Classification Sherloc (09022015). Collection method: clinical testing. Allele origin: germline.
Comment: This sequence change replaces proline, which is neutral and non-polar, with leucine, which is neutral and non-polar, at codon 765 of the COL18A1 protein (p.Pro765Leu). This variant is present in population databases (rs557802919, gnomAD 0.08%). This variant has not been reported in the literature in individuals affected with COL18A1-related conditions. Experimental studies and prediction algorithms are not available or were not evaluated, and the functional significance of this variant is currently unknown. In summary, the available evidence is currently insufficient to determine the role of this variant in disease. Therefore, it has been classified as a Variant of Uncertain Significance.